The following is an entry in ClinVar:

ClinVar aggregate classification (germline): Pathogenic/Likely pathogenic. Review status: criteria provided, multiple submitters, no conflicts (2 of 4 stars). 2 submissions from 2 submitters: Pathogenic (1); Likely pathogenic (1). Last evaluated 2023-10-22.

Conditions:
Mucolipidosis type II. Also called: Mucolipidosis 2; ML 2; Inclusion cell disease; Leroy Disease; N-acetylglucosamine 1phosphotransferase deficiency; ML disorder type 2. Identifiers: Orphanet 576, MedGen C2673377, MONDO:0009650, OMIM 252500.
Pseudo-Hurler polydystrophy. Also called: ML IIIA; Mucolipidosis III Alpha/Beta; MUCOLIPIDOSIS IIIA; ML III; ML III ALPHA/BETA; Type III Mucolipidosis. Identifiers: Orphanet 423461, Orphanet 577, MedGen C0033788, MONDO:0018931, OMIM 252600.
GNPTAB-mucolipidosis. Also called: UDP-N-acetylglucosamine-1-phosphotransferase subunit alpha/beta deficiency. Identifiers: MedGen CN322573, MONDO:0100122.

Submissions (2):

Labcorp Genetics (formerly Invitae), Labcorp
Classification: Pathogenic for Pseudo-Hurler polydystrophy; Mucolipidosis type II. Last evaluated: 2023-10-22. Review status: criteria provided, single submitter. Criteria: Invitae Variant Classification Sherloc (09022015). Collection method: clinical testing. Allele origin: germline.
Comment: This sequence change creates a premature translational stop signal (p.Tyr331*) in the GNPTAB gene. It is expected to result in an absent or disrupted protein product. Loss-of-function variants in GNPTAB are known to be pathogenic (PMID: 19617216, 25107912). This variant is not present in population databases (gnomAD no frequency). This variant has not been reported in the literature in individuals affected with GNPTAB-related conditions. ClinVar contains an entry for this variant (Variation ID: 984023). For these reasons, this variant has been classified as Pathogenic.

Myriad Genetics, Inc.
Classification: Likely pathogenic for GNPTAB-mucolipidosis. Last evaluated: 2019-05-08. Review status: criteria provided, single submitter. Criteria: Myriad Autosomal Dominant, Autosomal Recessive and X-Linked Classification Criteria (2023). Collection method: clinical testing. Allele origin: unknown.
Comment: NM_024312.4(GNPTAB):c.993C>A(Y331*) is expected to be pathogenic in the context of GNPTAB-related disorders. This variant is predicted to lead to an abnormal or absent protein product due to the creation of a premature termination codon in GNPTAB, a gene where loss-of-function variants are known to be pathogenic. Please note: this variant was assessed in the context of healthy population screening.

Literature cited by the submitters: PubMed 19617216 (cited by Labcorp Genetics (formerly Invitae), Labcorp); PubMed 25107912 (cited by Labcorp Genetics (formerly Invitae), Labcorp).

NM_024312.5(GNPTAB):c.993C>A (p.Tyr331Ter)

Gene: GNPTAB (N-acetylglucosamine-1-phosphate transferase subunits alpha and beta; minus strand). Cytogenetic location: 12q23.2.
Variant type: single nucleotide variant.
Coding change: c.993C>A on transcript NM_024312.5 (MANE Select); coding-DNA position 993, C replaced by A.
Protein change: p.Tyr331Ter; replaces tyrosine 331 with a stop codon.
Molecular consequence: nonsense.
Genome position (GRCh38, 1-based): chr12:101,770,526, G>T on the plus strand (C>A on the coding strand, the complement: GNPTAB is on the minus strand). VCF-style: chr12-101770526-G-T. GRCh37 (hg19) VCF-style: chr12-102164304-G-T.
Other names: short protein forms Y331*.
Identifiers: ClinVar variation 984023 (VCV000984023.7), dbSNP rs1953155445, ClinGen allele CA386303265.
Genomic context (GRCh38, chr12:101,770,526, plus strand): 5'-GTTGGTGACAATGAAAATATTCCGAACCCATGGTGCATGCCTCTCGATAGATCGCAATGA[G>T]TACCTCAGTTCTTCGTTATCTTCAAAACGACTGGCAGAGATGTCTTCATCCTGCTTAGAC-3'